The following is an entry in ClinVar:

ClinVar aggregate classification (germline): Uncertain significance (1 of 4 stars; one submission).

Submission:

GeneDx
Classification: Uncertain significance. Last evaluated: 2026-04-22. Review status: criteria provided, single submitter. Criteria: GeneDx Variant Classification Process June 2021. Collection method: clinical testing. Allele origin: germline.
Comment: Not observed at significant frequency in large population cohorts (gnomAD); In silico analysis suggests that this missense variant does not alter protein structure/function; Has not been previously published as pathogenic or benign to our knowledge

NM_000368.5(TSC1):c.1832C>G (p.Ala611Gly)

Gene: TSC1 (TSC complex subunit 1; minus strand). Cytogenetic location: 9q34.13.
Variant type: single nucleotide variant.
Coding change: c.1832C>G on transcript NM_000368.5 (MANE Select); coding-DNA position 1832, C replaced by G.
Protein change: p.Ala611Gly; replaces alanine 611 with glycine.
Molecular consequence: missense variant. On other transcripts: non-coding transcript variant (5).
Genome position (GRCh38, 1-based): chr9:132,905,746, G>C on the plus strand (C>G on the coding strand, the complement: TSC1 is on the minus strand). VCF-style: chr9-132905746-G-C. GRCh37 (hg19) VCF-style: chr9-135781133-G-C.
Other names: c.1829C>G, p.Ala610Gly (NM_001406603.1, NM_001406604.1, NM_001406608.1 and 6 more transcripts); c.1832C>G, p.Ala611Gly (NM_001406605.1, NM_001406606.1, NM_001406607.1 and 7 more transcripts); c.1679C>G, p.Ala560Gly (NM_001406610.1, NM_001162427.2); c.1676C>G, p.Ala559Gly (NM_001406611.1, NM_001406612.1, NM_001406613.1); c.1466C>G, p.Ala489Gly (NM_001406622.1, NM_001406623.1, NM_001406625.1 and 2 more transcripts); c.1469C>G, p.Ala490Gly (NM_001406624.1, NM_001362177.2, NM_001406614.1 and 5 more transcripts); c.881C>G, p.Ala294Gly (NM_001406626.1); c.878C>G, p.Ala293Gly (NM_001406627.1, NM_001406628.1); and 1 more; short protein forms A260G, A293G, A294G, A489G, A490G, A559G, A560G, A610G.
Identifiers: ClinVar variation 5037152 (VCV005037152.1).